The following is an entry in ClinVar:

NM_001372044.2(SHANK3):c.2436C>T (p.Ala812=)

Gene: SHANK3 (SH3 and multiple ankyrin repeat domains 3; plus strand). Cytogenetic location: 22q13.33.
Variant type: single nucleotide variant.
Coding change: c.2436C>T on transcript NM_001372044.2 (MANE Select); coding-DNA position 2436, C replaced by T.
Protein change: p.Ala812=; no amino-acid change (alanine 812 retained).
Molecular consequence: synonymous variant.
Genome position (GRCh38, 1-based): chr22:50,714,993, C>T. VCF-style: chr22-50714993-C-T. GRCh37 (hg19) VCF-style: chr22-51153421-C-T.
Other names: c.2211C>T, p.Ala737= (NM_033517.1).
Identifiers: ClinVar variation 588391 (VCV000588391.32), dbSNP rs61729465, ClinGen allele CA10325846.

ClinVar aggregate classification (germline): Benign/Likely benign. Review status: criteria provided, multiple submitters, no conflicts (2 of 4 stars). 5 submissions from 5 submitters: Benign (1); Likely benign (4). Last evaluated 2026-03-01.

Conditions:
Inborn genetic diseases. Identifiers: MedGen C0950123, MeSH D030342.

Allele frequency attached by ClinVar (database versions not stated): gnomAD exomes 0.00188 and 0.00109; 1000 Genomes Project 30x 0.00016; ESP Exome Variant Server 0.00070; TOPMed 0.00121; gnomAD 0.00125 and 0.00131; ExAC 0.00143.

Submissions (5):

CeGaT Center for Human Genetics Tuebingen
Classification: Likely benign. Last evaluated: 2026-03-01. Review status: criteria provided, single submitter. Criteria: CeGaT Center For Human Genetics Tuebingen Variant Classification Criteria Version 2. Collection method: clinical testing. Allele origin: germline. Affected: yes. Observed: 6 variant alleles.
Comment: SHANK3: BP4, BP7, BS1

Blueprint Genetics
Classification: Likely benign. Last evaluated: 2024-11-15. Review status: criteria provided, single submitter. Criteria: ACMG Guidelines, 2015. Collection method: clinical testing. Allele origin: germline.

GeneDx
Classification: Benign. Last evaluated: 2019-05-15. Review status: criteria provided, single submitter. Criteria: GeneDx Variant Classification Process June 2021. Collection method: clinical testing. Allele origin: germline. Affected: yes.

Ambry Genetics
Classification: Likely benign for Inborn genetic diseases. Last evaluated: 2016-11-03. Review status: criteria provided, single submitter. Criteria: Ambry Variant Classification Scheme 2023. Collection method: clinical testing. Allele origin: germline.

Breakthrough Genomics
Classification: Likely benign. Review status: criteria provided, single submitter. Criteria: ACMG Guidelines, 2015. Collection method: not provided. Allele origin: germline. Inheritance: Autosomal dominant inheritance. Affected: yes.